The following is an entry in ClinVar:

ClinVar aggregate classification (germline): Uncertain significance (1 of 4 stars; one submission).

Submission:

GeneDx
Classification: Uncertain significance. Last evaluated: 2025-05-13. Review status: criteria provided, single submitter. Criteria: GeneDx Variant Classification Process June 2021. Collection method: clinical testing. Allele origin: germline. Affected: yes.
Comment: Not observed at significant frequency in large population cohorts (gnomAD); In silico analysis suggests that this missense variant does not alter protein structure/function; Has not been previously published as pathogenic or benign to our knowledge

NM_006885.4(ZFHX3):c.5795T>C (p.Leu1932Pro)

Genes: ZFHX3 (zinc finger homeobox 3; minus strand), ZFHX3-AS1 (ZFHX3 antisense RNA 1; plus strand). Cytogenetic location: 16q22.2.
Variant type: single nucleotide variant.
Coding change: c.5795T>C on transcript NM_006885.4 (MANE Select); coding-DNA position 5795, T replaced by C.
Protein change: p.Leu1932Pro; replaces leucine 1932 with proline.
Molecular consequence: missense variant.
Genome position (GRCh38, 1-based): chr16:72,796,887, A>G on the plus strand (T>C on the coding strand, the complement: ZFHX3 is on the minus strand). VCF-style: chr16-72796887-A-G. GRCh37 (hg19) VCF-style: chr16-72830786-A-G.
Other names: c.3053T>C, p.Leu1018Pro (NM_001164766.2); c.5795T>C, p.Leu1932Pro (NM_001386735.1); short protein forms L1018P, L1932P.
Identifiers: ClinVar variation 4529848 (VCV004529848.1).
Genomic context (GRCh38, chr16:72,796,887, plus strand): 5'-AAGTTCTCCAGCAGGGCCTTGGTGGCGTTCCCTCTGGCATCTGAAGCAATGCGTGGAGGG[A>G]GCATGGAAGGCTCAGAACCACCCCCTGGTGCCAACTCTTTCTTCTCTTTGGCCTTCAAGG-3'
Protein context (NP_008816.3, residues 1922-1942): APGGGSEPSM[Leu1932Pro]PPRIASDARG